The following is an entry in ClinVar:

ClinVar aggregate classification (germline): Uncertain significance (1 of 4 stars; one submission).

Allele frequency attached by ClinVar (database versions not stated): gnomAD exomes below 0.00001; ExAC 0.00001; gnomAD 0.00001; 1000 Genomes Project 30x 0.00016; 1000 Genomes Project 0.00020.
gnomAD v4.1: 1 of 1,611,224 alleles (0.000062%); highest among the groups gnomAD compares: African/African-American, 0.0013%; no homozygotes.

Submission:

Labcorp Genetics (formerly Invitae), Labcorp
Classification: Uncertain significance. Last evaluated: 2022-08-31. Review status: criteria provided, single submitter. Criteria: Invitae Variant Classification Sherloc (09022015). Collection method: clinical testing. Allele origin: germline.
Comment: This sequence change affects codon 298 of the CAPN5 mRNA. It is a 'silent' change, meaning that it does not change the encoded amino acid sequence of the CAPN5 protein. It affects a nucleotide within the consensus splice site. This variant is present in population databases (rs577452164, gnomAD 0.007%). This variant has not been reported in the literature in individuals affected with CAPN5-related conditions. ClinVar contains an entry for this variant (Variation ID: 1345625). Algorithms developed to predict the effect of sequence changes on RNA splicing suggest that this variant is not likely to affect RNA splicing. In summary, the available evidence is currently insufficient to determine the role of this variant in disease. Therefore, it has been classified as a Variant of Uncertain Significance.

NM_004055.5(CAPN5):c.894C>T (p.Thr298=)

Gene: CAPN5 (calpain 5; plus strand). Cytogenetic location: 11q13.5.
Variant type: single nucleotide variant.
Coding change: c.894C>T on transcript NM_004055.5 (MANE Select); coding-DNA position 894, C replaced by T.
Protein change: p.Thr298=; no amino-acid change (threonine 298 retained).
Molecular consequence: synonymous variant.
Genome position (GRCh38, 1-based): chr11:77,116,226, C>T. VCF-style: chr11-77116226-C-T. GRCh37 (hg19) VCF-style: chr11-76827272-C-T.
Identifiers: ClinVar variation 1345625 (VCV001345625.8), dbSNP rs577452164, ClinGen allele CA6196603.
Genomic context (GRCh38, chr11:77,116,226, plus strand): 5'-ATTCTGGTGGGGCTGCCTCTTAGACAGCTCCCTTTCTCCTCCCCGGCCCTGACACCCCAG[C>T]TCGGAGGAGTGGCAGAAAGTGAGCAAGAGTGAGCGGGAGAAGATGGGTGTGACCGTGCAG-3'
Protein context (NP_004046.2, residues 288-308): EREWNGPWSD[Thr298=]SEEWQKVSKS